The following is an entry in ClinVar:

NM_000051.4(ATM):c.5496+7_5496+9del

Gene: ATM (ATM serine/threonine kinase; plus strand). Cytogenetic location: 11q22.3.
Variant type: Microsatellite.
Coding change: c.5496+7_5496+9del on transcript NM_000051.4 (MANE Select); bases 7 to 9 of the intron after coding-DNA position 5496, 3 bases deleted (AGA; older notation c.5496+7_5496+9delAGA).
Molecular consequence: intron variant.
Genome position (GRCh38, 1-based): chr11:108,303,036-108,303,038, AGA deleted; deleting any 3 consecutive bases within chr11:108,303,032-108,303,038 gives the same sequence; the c. name uses the placement nearest the transcript's 3' end. VCF-style (leftmost placement, unchanged base first): chr11-108303031-TAAG-T. GRCh37 (hg19) VCF-style: chr11-108173758-TAAG-T.
Other names: c.5496+7_5496+9delAGA (NM_000051.3); c.5496+7_5496+9del (NM_001351834.2).
Identifiers: ClinVar variation 236739 (VCV000236739.9), dbSNP rs878853523, ClinGen allele CA10582830.

ClinVar aggregate classification (germline): Likely benign. Review status: criteria provided, multiple submitters, no conflicts (2 of 4 stars). 2 submissions from 2 submitters: Likely benign (2). Last evaluated 2025-02-24.

Conditions:
Ataxia-telangiectasia syndrome (AT). Also called: Ataxia telangiectasia (A-T); LOUIS-BAR SYNDROME; Cerebello-oculocutaneous telangiectasia; Immunodeficiency with ataxia telangiectasia; ATAXIA-TELANGIECTASIA, COMPLEMENTATION GROUP A; ATAXIA-TELANGIECTASIA, FRESNO VARIANT. Identifiers: Orphanet 100, MedGen C0004135, MONDO:0008840, OMIM 208900.
Familial cancer of breast. Also called: hereditary breast carcinoma; BREAST CANCER, FAMILIAL; Hereditary breast cancer. Identifiers: Orphanet 227535, MedGen C0346153, MONDO:0016419, OMIM 114480. Disease mechanism: loss of function.

Submissions (2):

Labcorp Genetics (formerly Invitae), Labcorp
Classification: Likely benign for Ataxia-telangiectasia syndrome. Last evaluated: 2025-02-24. Review status: criteria provided, single submitter. Criteria: Invitae Variant Classification Sherloc (09022015). Collection method: clinical testing. Allele origin: germline.

Myriad Genetics, Inc.
Classification: Likely benign for Familial cancer of breast. Last evaluated: 2024-05-23. Review status: criteria provided, single submitter. Criteria: Myriad Autosomal Dominant, Autosomal Recessive and X-Linked Classification Criteria (2023). Collection method: clinical testing. Allele origin: unknown.
Comment: This variant is considered likely benign. This variant is intronic and is not expected to impact mRNA splicing.